The following is an entry in ClinVar:

NM_001040436.3(YARS2):c.964A>G (p.Thr322Ala)

Gene: YARS2 (tyrosyl-tRNA synthetase 2; minus strand). Cytogenetic location: 12p11.21.
Variant type: single nucleotide variant.
Coding change: c.964A>G on transcript NM_001040436.3 (MANE Select); coding-DNA position 964, A replaced by G.
Protein change: p.Thr322Ala; replaces threonine 322 with alanine.
Molecular consequence: missense variant.
Genome position (GRCh38, 1-based): chr12:32,750,858, T>C on the plus strand (A>G on the coding strand, the complement: YARS2 is on the minus strand). VCF-style: chr12-32750858-T-C. GRCh37 (hg19) VCF-style: chr12-32903792-T-C.
Other names: short protein forms T322A.
Identifiers: ClinVar variation 2098917 (VCV002098917.4), dbSNP rs2541156899, ClinGen allele CA384371813.
Genomic context (GRCh38, chr12:32,750,858, plus strand): 5'-TTTCTGGCTCTTTGACATGCAGCTGCATGATATGATCAATCTCTGGAAGGGGCAGGAAAG[T>C]GAACAGCTTCAGGTACCTTTGAGACAAAAAATAAAGAGTTACACTTATATAACATACCTA-3'
Protein context (NP_001035526.1, residues 312-332): DSVERYLKLF[Thr322Ala]FLPLPEIDHI

ClinVar aggregate classification (germline): Uncertain significance (1 of 4 stars; one submission).

Submission:

Labcorp Genetics (formerly Invitae), Labcorp
Classification: Uncertain significance. Last evaluated: 2022-10-17. Review status: criteria provided, single submitter. Criteria: Invitae Variant Classification Sherloc (09022015). Collection method: clinical testing. Allele origin: germline.
Comment: In summary, the available evidence is currently insufficient to determine the role of this variant in disease. Therefore, it has been classified as a Variant of Uncertain Significance. Advanced modeling of protein sequence and biophysical properties (such as structural, functional, and spatial information, amino acid conservation, physicochemical variation, residue mobility, and thermodynamic stability) performed at Invitae indicates that this missense variant is not expected to disrupt YARS2 protein function. This variant has not been reported in the literature in individuals affected with YARS2-related conditions. This variant is not present in population databases (gnomAD no frequency). This sequence change replaces threonine, which is neutral and polar, with alanine, which is neutral and non-polar, at codon 322 of the YARS2 protein (p.Thr322Ala).